The following is an entry in ClinVar:

NM_004208.4(AIFM1):c.23C>T (p.Ala8Val)

Genes: RAB33A (RAB33A, member RAS oncogene family; plus strand), AIFM1 (apoptosis inducing factor mitochondria associated 1; minus strand), LOC130068679 (ATAC-STARR-seq lymphoblastoid active region 29939; plus strand). Cytogenetic location: Xq26.1.
Variant type: single nucleotide variant.
Coding change: c.23C>T on transcript NM_004208.4 (MANE Select); coding-DNA position 23, C replaced by T.
Protein change: p.Ala8Val; replaces alanine 8 with valine.
Molecular consequence: missense variant. On other transcripts: non-coding transcript variant (1).
Genome position (GRCh38, 1-based): chrX:130,165,634, G>A on the plus strand (C>T on the coding strand, the complement: AIFM1 is on the minus strand). VCF-style: chrX-130165634-G-A. GRCh37 (hg19) VCF-style: chrX-129299608-G-A.
Other names: c.23C>T, p.Ala8Val (NM_001130847.4, NM_145812.3); short protein forms A8V.
Identifiers: ClinVar variation 1947973 (VCV001947973.5), dbSNP rs780914409, ClinGen allele CA10515550.

ClinVar aggregate classification (germline): Uncertain significance (1 of 4 stars; one submission).

Conditions:
Combined oxidative phosphorylation deficiency. Identifiers: MedGen C4540031, MONDO:0000732.
Charcot-Marie-Tooth Neuropathy X. Identifiers: MedGen CN118851.

Allele frequency attached by ClinVar (database versions not stated): gnomAD exomes below 0.00001; ExAC 0.00006.
gnomAD v4.1: 2 of 1,201,232 alleles (0.00017%); highest among the groups gnomAD compares: South Asian, 0.0018%; no homozygotes.

Submission:

Labcorp Genetics (formerly Invitae), Labcorp
Classification: Uncertain significance for Charcot-Marie-Tooth Neuropathy X; Combined oxidative phosphorylation deficiency. Last evaluated: 2022-07-04. Review status: criteria provided, single submitter. Criteria: Invitae Variant Classification Sherloc (09022015). Collection method: clinical testing. Allele origin: germline.
Comment: This variant has not been reported in the literature in individuals affected with AIFM1-related conditions. In summary, the available evidence is currently insufficient to determine the role of this variant in disease. Therefore, it has been classified as a Variant of Uncertain Significance. Advanced modeling of protein sequence and biophysical properties (such as structural, functional, and spatial information, amino acid conservation, physicochemical variation, residue mobility, and thermodynamic stability) performed at Invitae indicates that this missense variant is not expected to disrupt AIFM1 protein function. The frequency data for this variant in the population databases is considered unreliable, as metrics indicate poor data quality at this position in the gnomAD database. This sequence change replaces alanine, which is neutral and non-polar, with valine, which is neutral and non-polar, at codon 8 of the AIFM1 protein (p.Ala8Val).